The following is an entry in ClinVar:

NM_172364.5(CACNA2D4):c.2171G>A (p.Arg724Gln)

Gene: CACNA2D4 (calcium voltage-gated channel auxiliary subunit alpha2delta 4; minus strand). Cytogenetic location: 12p13.33.
Variant type: single nucleotide variant.
Coding change: c.2171G>A on transcript NM_172364.5 (MANE Select); coding-DNA position 2171, G replaced by A.
Protein change: p.Arg724Gln; replaces arginine 724 with glutamine.
Molecular consequence: missense variant.
Genome position (GRCh38, 1-based): chr12:1,854,026, C>T on the plus strand (G>A on the coding strand, the complement: CACNA2D4 is on the minus strand). VCF-style: chr12-1854026-C-T. GRCh37 (hg19) VCF-style: chr12-1963192-C-T.
Other names: c.2171G>A (NM_172364.4); short protein forms R724Q.
Identifiers: ClinVar variation 1439214 (VCV001439214.8), dbSNP rs201084922, ClinGen allele CA6386811.

ClinVar aggregate classification (germline): Conflicting classifications of pathogenicity. Review status: criteria provided, conflicting classifications (1 of 4 stars). 3 submissions from 3 submitters: Uncertain significance (2); Likely benign (1). Last evaluated 2024-11-11.

Conditions:
Inborn genetic diseases. Identifiers: MedGen C0950123, MeSH D030342.

Allele frequency attached by ClinVar (database versions not stated): gnomAD 0.00001 and 0.00002; gnomAD exomes 0.00003 and 0.00004; TOPMed 0.00004; ExAC 0.00006; ESP Exome Variant Server 0.00008; 1000 Genomes Project 30x 0.00016; 1000 Genomes Project 0.00020.
gnomAD v4.1: 48 of 1,611,174 alleles (0.003%); highest among the groups gnomAD compares: South Asian, 0.017%; no homozygotes.

Submissions (3):

Labcorp Genetics (formerly Invitae), Labcorp
Classification: Uncertain significance. Last evaluated: 2024-11-11. Review status: criteria provided, single submitter. Criteria: Invitae Variant Classification Sherloc (09022015). Collection method: clinical testing. Allele origin: germline.
Comment: This sequence change replaces arginine, which is basic and polar, with glutamine, which is neutral and polar, at codon 724 of the CACNA2D4 protein (p.Arg724Gln). This variant is present in population databases (rs201084922, gnomAD 0.02%). This variant has not been reported in the literature in individuals affected with CACNA2D4-related conditions. ClinVar contains an entry for this variant (Variation ID: 1439214). An algorithm developed to predict the effect of missense changes on protein structure and function outputs the following: PolyPhen-2: "Benign". The glutamine amino acid residue is found in multiple mammalian species, which suggests that this missense change does not adversely affect protein function. In summary, the available evidence is currently insufficient to determine the role of this variant in disease. Therefore, it has been classified as a Variant of Uncertain Significance.

Blueprint Genetics
Classification: Uncertain significance. Last evaluated: 2023-08-15. Review status: criteria provided, single submitter. Criteria: ACMG Guidelines, 2015. Collection method: clinical testing. Allele origin: germline.

Ambry Genetics
Classification: Likely benign for Inborn genetic diseases. Last evaluated: 2023-05-05. Review status: criteria provided, single submitter. Criteria: Ambry Variant Classification Scheme 2023. Collection method: clinical testing. Allele origin: germline.